The following is an entry in ClinVar:

ClinVar aggregate classification (germline): Uncertain significance. Review status: criteria provided, multiple submitters, no conflicts (2 of 4 stars). 2 submissions from 2 submitters: Uncertain significance (2). Last evaluated 2022-03-10.

Allele frequency attached by ClinVar (database versions not stated): gnomAD 0.00001.

Submissions (2):

Blueprint Genetics
Classification: Uncertain significance. Last evaluated: 2022-03-10. Review status: criteria provided, single submitter. Criteria: ACMG Guidelines, 2015. Collection method: clinical testing. Allele origin: germline.

GeneDx
Classification: Uncertain significance. Last evaluated: 2020-11-03. Review status: criteria provided, single submitter. Criteria: GeneDx Variant Classification Process June 2021. Collection method: clinical testing. Allele origin: germline. Affected: yes.
Comment: In silico analysis supports that this missense variant does not alter protein structure/function; Has not been previously published as pathogenic or benign to our knowledge

NM_006593.4(TBR1):c.2042A>C (p.His681Pro)

Gene: TBR1 (T-box brain transcription factor 1; plus strand). Cytogenetic location: 2q24.2.
Variant type: single nucleotide variant.
Coding change: c.2042A>C on transcript NM_006593.4 (MANE Select); coding-DNA position 2042, A replaced by C.
Protein change: p.His681Pro; replaces histidine 681 with proline.
Molecular consequence: missense variant.
Genome position (GRCh38, 1-based): chr2:161,424,220, A>C. VCF-style: chr2-161424220-A-C. GRCh37 (hg19) VCF-style: chr2-162280731-A-C.
Other names: short protein forms H681P.
Identifiers: ClinVar variation 1203893 (VCV001203893.4), dbSNP rs1459458213, ClinGen allele CA349215313.